The following is an entry in ClinVar:

NM_032444.4(SLX4):c.3144_3148del (p.His1050fs)

Gene: SLX4 (SLX4 structure-specific endonuclease subunit; minus strand). Cytogenetic location: 16p13.3.
Variant type: Deletion.
Coding change: c.3144_3148del on transcript NM_032444.4 (MANE Select); coding-DNA positions 3144 to 3148, 5 bases deleted (TCATC; older notation c.3144_3148delTCATC).
Protein change: p.His1050fs; shifts the reading frame from histidine 1050.
Molecular consequence: frameshift variant.
Genome position (GRCh38, 1-based): chr16:3,590,490-3,590,494, GATGA deleted on the plus strand (TCATC on the coding strand, the reverse complement: SLX4 is on the minus strand); deleting any 5 consecutive bases within chr16:3,590,490-3,590,496 gives the same sequence; the c. name uses the placement nearest the transcript's 3' end. VCF-style (leftmost placement, unchanged base first): chr16-3590489-TGATGA-T. GRCh37 (hg19) VCF-style: chr16-3640490-TGATGA-T.
Other names: short protein forms H1050fs.
Identifiers: ClinVar variation 2747476 (VCV002747476.3), dbSNP rs2548213278, ClinGen allele CA2697549644.
Genomic context (GRCh38, chr16:3,590,489, plus strand): 5'-GAGCCCACCTGGGAAGTTCCGCCACGGGACCGGGGTGTTGACAGGGACGACCCACTTGTG[TGATGA>T]GACCCGCGGGGACTCCCGCCCTGGGGAGGCCCCAATAGGAAGCGGCACGGGTGCGGTGGA-3'

ClinVar aggregate classification (germline): Pathogenic (1 of 4 stars; one submission).

Conditions:
Fanconi anemia (FA). Also called: Fanconi's anemia. Identifiers: Orphanet 84, MedGen C0015625, MeSH D005199, MONDO:0019391.

Submission:

Labcorp Genetics (formerly Invitae), Labcorp
Classification: Pathogenic for Fanconi anemia. Last evaluated: 2023-07-27. Review status: criteria provided, single submitter. Criteria: Invitae Variant Classification Sherloc (09022015). Collection method: clinical testing. Allele origin: germline.
Comment: For these reasons, this variant has been classified as Pathogenic. This variant has not been reported in the literature in individuals affected with SLX4-related conditions. This variant is not present in population databases (gnomAD no frequency). This sequence change creates a premature translational stop signal (p.His1050Lysfs*42) in the SLX4 gene. It is expected to result in an absent or disrupted protein product. Loss-of-function variants in SLX4 are known to be pathogenic (PMID: 21240277).

Literature cited by the submitters: PubMed 21240277.